The following is an entry in ClinVar:

ClinVar aggregate classification (germline): Likely pathogenic (0 of 4 stars; one submission).

Conditions:
Intellectual developmental disorder, autosomal dominant 50, with behavioral abnormalities. Also called: Intellectual disability, autosomal dominant 50; MENTAL RETARDATION, AUTOSOMAL DOMINANT 50. Identifiers: MedGen C4540470, MONDO:0030916, OMIM 617787.

Submission:

Solve-RD Consortium
Classification: Likely pathogenic for Intellectual developmental disorder, autosomal dominant 50, with behavioral abnormalities. Last evaluated: 2024-06-01. Review status: no assertion criteria provided. Collection method: provider interpretation. Allele origin: de novo. Affected: yes.
Comment: This CNV was confirmed by the submitting clinician to impact a gene that corresponds with the phenotype of the affected individual, and thus deemed to be causative for their condition.

Literature cited by the submitters: PubMed 39825153.

GRCh37/hg19 4q31.1(chr4:140187697-140394334)x1

Genes: MGARP (mitochondria localized glutamic acid rich protein; minus strand), NAA15 (N-alpha-acetyltransferase 15, NatA auxiliary subunit; plus strand), NDUFC1 (NADH:ubiquinone oxidoreductase subunit C1; minus strand), RAB33B (RAB33B, member RAS oncogene family; plus strand). Cytogenetic location: 4q31.1.
Variant type: copy number loss.
Change: copy number 1 (one copy instead of two) of chr4:140,187,697-140,394,334 (206.6 kb, GRCh37 coordinates, 1-based), cytogenetic band 4q31.1.
Identifiers: ClinVar variation 3338450 (VCV003338450.1).